The following is an entry in ClinVar:

ClinVar aggregate classification (germline): Uncertain significance (1 of 4 stars; one submission).

Allele frequency attached by ClinVar (database versions not stated): gnomAD exomes below 0.00001.

Submission:

GeneDx
Classification: Uncertain significance. Last evaluated: 2017-07-28. Review status: criteria provided, single submitter. Criteria: GeneDx Variant Classification (06012015). Collection method: clinical testing. Allele origin: germline. Affected: yes.
Comment: The C56Y variant has not been published as a pathogenic variant, nor has it been reported as a benign variant to our knowledge. The C56Y variant is not observed in large population cohorts (Lek et al., 2016; 1000 Genomes Consortium et al., 2015; Exome Variant Server). The C56Y variant is a non-conservative amino acid substitution, which is likely to impact secondary protein structure as these residues differ in polarity, charge, size and/or other properties. This substitution occurs at a position that is conserved in mammals, and in silico analysis predicts this variant is probably damaging to the protein structure/function. Based on the currently available information, it is unclear whether this variant is a pathogenic variant or a rare benign variant.

NM_001194998.2(CEP152):c.167G>A (p.Cys56Tyr)

Gene: CEP152 (centrosomal protein 152; minus strand). Cytogenetic location: 15q21.1.
Variant type: single nucleotide variant.
Coding change: c.167G>A on transcript NM_001194998.2 (MANE Select); coding-DNA position 167, G replaced by A.
Protein change: p.Cys56Tyr; replaces cysteine 56 with tyrosine.
Molecular consequence: missense variant.
Genome position (GRCh38, 1-based): chr15:48,797,972, C>T on the plus strand (G>A on the coding strand, the complement: CEP152 is on the minus strand). VCF-style: chr15-48797972-C-T. GRCh37 (hg19) VCF-style: chr15-49090169-C-T.
Other names: c.167G>A, p.Cys56Tyr (NM_014985.4); short protein forms C56Y.
Identifiers: ClinVar variation 450938 (VCV000450938.2), dbSNP rs1322163466, ClinGen allele CA392358551.